The following is an entry in ClinVar:

ClinVar aggregate classification (germline): Uncertain significance (1 of 4 stars; one submission).

Submission:

Labcorp Genetics (formerly Invitae), Labcorp
Classification: Uncertain significance. Last evaluated: 2022-01-11. Review status: criteria provided, single submitter. Criteria: Invitae Variant Classification Sherloc (09022015). Collection method: clinical testing. Allele origin: germline.
Comment: In summary, the available evidence is currently insufficient to determine the role of this variant in disease. Therefore, it has been classified as a Variant of Uncertain Significance. Algorithms developed to predict the effect of sequence changes on RNA splicing suggest that this variant may create or strengthen a splice site. Algorithms developed to predict the effect of missense changes on protein structure and function (SIFT, PolyPhen-2, Align-GVGD) all suggest that this variant is likely to be tolerated. This variant has not been reported in the literature in individuals affected with TTPA-related conditions. This variant is not present in population databases (gnomAD no frequency). This sequence change replaces leucine, which is neutral and non-polar, with valine, which is neutral and non-polar, at codon 45 of the TTPA protein (p.Leu45Val).

NM_000370.3(TTPA):c.133C>G (p.Leu45Val)

Gene: TTPA (alpha tocopherol transfer protein; minus strand). Cytogenetic location: 8q12.3.
Variant type: single nucleotide variant.
Coding change: c.133C>G on transcript NM_000370.3 (MANE Select); coding-DNA position 133, C replaced by G.
Protein change: p.Leu45Val; replaces leucine 45 with valine.
Molecular consequence: missense variant.
Genome position (GRCh38, 1-based): chr8:63,085,889, G>C on the plus strand (C>G on the coding strand, the complement: TTPA is on the minus strand). VCF-style: chr8-63085889-G-C. GRCh37 (hg19) VCF-style: chr8-63998448-G-C.
Other names: c.133C>G, p.Leu45Val (NM_001413414.1, NM_001413415.1, NM_001413416.1 and 2 more transcripts); short protein forms L45V.
Identifiers: ClinVar variation 2080337 (VCV002080337.4), dbSNP rs1327064895, ClinGen allele CA371403488.